The following is an entry in ClinVar:

Single allele

Gene: VIPR2 (vasoactive intestinal peptide receptor 2; minus strand). Cytogenetic location: 7q36.3.
Variant type: Duplication.
Identifiers: ClinVar variation 157083 (VCV000157083.2).

ClinVar aggregate classification (germline): not provided (0 of 4 stars; one submission).

Conditions:
Normal pregnancy. Identifiers: MedGen C0232989.

Submission:

Institute of Molecular and Cell Biology, University of Tartu
No classification provided. Condition: Normal pregnancy. Review status: no classification provided. Collection method: case-control. Allele origin: unknown. Affected: yes. Study: Kasak2014.
Comment: The study aimed to determine the contribution of copy number variants in the genetic etiology of normal and complicated pregnancies. The samples represented (i) maternal blood DNA drawn from healthy pregnant women during 1st or 2nd trimester and (ii) maternal and paternal blood DNA drawn at term pregnancy cases representing normal and complicated gestations (severe preeclampsia, PE; gestational diabetes, GD; small-for-gestational age newborn, SGA; large-for-gestational age newborn, LGA). We performed CNV calling based on genome-wide genotyping dataset (Illumina HumanOmniExpress-24-v1 BeadChip) by applying three algorithms, QuantiSNP, GADA (Genome Alteration Detection Algorithm) and CNstream in parallel. The acquired CNV calls were merged with HD-CNV (Hotspot Detector for Copy Number Variants) program and only the CNVs predicted by at least two programs, were considered in subsequent analysis.

Literature cited by the submitters: PubMed 25666259.